The following is an entry in ClinVar:

NM_000038.6(APC):c.8317C>G (p.Pro2773Ala)

Gene: APC (APC regulator of Wnt signaling pathway; plus strand). Cytogenetic location: 5q22.2.
Variant type: single nucleotide variant.
Coding change: c.8317C>G on transcript NM_000038.6 (MANE Select); coding-DNA position 8317, C replaced by G.
Protein change: p.Pro2773Ala; replaces proline 2773 with alanine.
Molecular consequence: missense variant.
Genome position (GRCh38, 1-based): chr5:112,843,911, C>G. VCF-style: chr5-112843911-C-G. GRCh37 (hg19) VCF-style: chr5-112179608-C-G.
Other names: c.8317C>G, p.Pro2773Ala (NM_001127510.3, NM_001354895.2); c.8263C>G, p.Pro2755Ala (NM_001127511.3); c.8371C>G, p.Pro2791Ala (NM_001354896.2); c.8347C>G, p.Pro2783Ala (NM_001354897.2); c.8242C>G, p.Pro2748Ala (NM_001354898.2); c.8233C>G, p.Pro2745Ala (NM_001354899.2); c.8194C>G, p.Pro2732Ala (NM_001354900.2); c.8140C>G, p.Pro2714Ala (NM_001354901.2); and 5 more; short protein forms P2748A, P2773A, P2672A, P2732A, P2755A, P2490A, P2682A, P2714A.
Identifiers: ClinVar variation 859559 (VCV000859559.11), dbSNP rs746954122, ClinGen allele CA050434.

ClinVar aggregate classification (germline): Uncertain significance. Review status: criteria provided, multiple submitters, no conflicts (2 of 4 stars). 2 submissions from 2 submitters: Uncertain significance (2). Last evaluated 2025-10-06.

Conditions:
Hereditary cancer-predisposing syndrome. Also called: Tumor predisposition; Hereditary neoplastic syndrome; Neoplastic Syndromes, Hereditary; Hereditary Cancer Syndrome. Identifiers: Orphanet 140162, MedGen C0027672, MeSH D009386, MONDO:0015356.
Familial adenomatous polyposis 1 (FAP1). Also called: POLYPOSIS, ADENOMATOUS INTESTINAL; FAMILIAL ADENOMATOUS POLYPOSIS 1, ATTENUATED. Identifiers: MedGen C2713442, MONDO:0021056, OMIM 175100. Disease mechanism: loss of function.

Allele frequency attached by ClinVar (database versions not stated): gnomAD exomes below 0.00001; ExAC 0.00001.
gnomAD v4.1: 1 of 1,613,356 alleles (0.000062%); highest among the groups gnomAD compares: East Asian, 0.0022%; no homozygotes.

Submissions (2):

Color Diagnostics, LLC DBA Color Health
Classification: Uncertain significance for Hereditary cancer-predisposing syndrome. Last evaluated: 2025-10-06. Review status: criteria provided, single submitter. Criteria: ACMG Guidelines, 2015. Collection method: clinical testing. Allele origin: germline.
Comment: This missense variant replaces proline with alanine at codon 2773 of the APC protein. Computational prediction is inconclusive regarding the impact of this variant on protein structure and function. APC is defined as a gene for which primarily truncating variants are known to cause disease (ClinGen HCCP VCEP). To our knowledge, functional studies have not been reported for this variant. This variant has not been reported in individuals affected with APC-related disorders in the literature. This variant has been identified in 1/1461068 chromosomes in the general population by the Genome Aggregation Database (gnomAD). The available evidence is insufficient to determine the role of this variant in disease conclusively. Therefore, this variant is classified as a Variant of Uncertain Significance.

Labcorp Genetics (formerly Invitae), Labcorp
Classification: Uncertain significance for Familial adenomatous polyposis 1. Last evaluated: 2023-01-08. Review status: criteria provided, single submitter. Criteria: Invitae Variant Classification Sherloc (09022015). Collection method: clinical testing. Allele origin: germline.
Comment: In summary, the available evidence is currently insufficient to determine the role of this variant in disease. Therefore, it has been classified as a Variant of Uncertain Significance. Advanced modeling of protein sequence and biophysical properties (such as structural, functional, and spatial information, amino acid conservation, physicochemical variation, residue mobility, and thermodynamic stability) performed at Invitae indicates that this missense variant is not expected to disrupt APC protein function. ClinVar contains an entry for this variant (Variation ID: 859559). This variant has not been reported in the literature in individuals affected with APC-related conditions. This variant is present in population databases (rs746954122, gnomAD 0.006%). This sequence change replaces proline, which is neutral and non-polar, with alanine, which is neutral and non-polar, at codon 2773 of the APC protein (p.Pro2773Ala).